The following is an entry in ClinVar:

ClinVar aggregate classification (germline): Uncertain significance (1 of 4 stars; one submission).

Submission:

CeGaT Center for Human Genetics Tuebingen
Classification: Uncertain significance. Last evaluated: 2026-03-01. Review status: criteria provided, single submitter. Criteria: CeGaT Center For Human Genetics Tuebingen Variant Classification Criteria Version 2. Collection method: clinical testing. Allele origin: germline. Affected: yes. Observed: 1 variant allele.
Comment: STAT6: PM2, PP2

NM_003153.5(STAT6):c.2348G>A (p.Gly783Asp)

Gene: STAT6 (signal transducer and activator of transcription 6; minus strand). Cytogenetic location: 12q13.3.
Variant type: single nucleotide variant.
Coding change: c.2348G>A on transcript NM_003153.5 (MANE Select); coding-DNA position 2348, G replaced by A.
Protein change: p.Gly783Asp; replaces glycine 783 with aspartic acid.
Molecular consequence: missense variant. On other transcripts: non-coding transcript variant (1).
Genome position (GRCh38, 1-based): chr12:57,096,856, C>T on the plus strand (G>A on the coding strand, the complement: STAT6 is on the minus strand). VCF-style: chr12-57096856-C-T. GRCh37 (hg19) VCF-style: chr12-57490639-C-T.
Other names: c.2348G>A, p.Gly783Asp (NM_001178078.2, NM_001178079.2); c.2018G>A, p.Gly673Asp (NM_001178080.2, NM_001178081.2); short protein forms G673D, G783D.
Identifiers: ClinVar variation 4822200 (VCV004822200.4).